The following is an entry in ClinVar:

ClinVar aggregate classification (germline): Pathogenic. Review status: reviewed by expert panel (3 of 4 stars). 2 submissions from 2 submitters: Pathogenic (1). 1 of the submissions does not count toward it. Last evaluated 2024-03-26.

Conditions:
Hereditary thrombocytopenia and hematological cancer predisposition syndrome associated with RUNX1. Also called: Familial Platelet Disorder with Propensity to Acute Myelogenous Leukemia; Familial thrombocytopenia with propensity to acute myelogenous leukemia; PLATELET DISORDER, ASPIRIN-LIKE; RUNX1 Familial Platelet Disorder with Associated Myeloid Malignancies. Identifiers: Orphanet 71290, MedGen C1832388, MeSH C563324, MONDO:0100083, OMIM 601399.
Hereditary thrombocytopenia and hematologic cancer predisposition syndrome. Identifiers: Orphanet 71290, MedGen CN281654, MONDO:0011071.

Submissions (2):

ClinGen Myeloid Malignancy Variant Curation Expert Panel
Classification: Pathogenic for Hereditary thrombocytopenia and hematologic cancer predisposition syndrome. Last evaluated: 2024-03-26. Review status: reviewed by expert panel. Criteria: ClinGen MyeloMalig ACMG Specifications v2. Collection method: curation. Allele origin: germline. Inheritance: Autosomal dominant inheritance.
Comment: The NM_001754.5(RUNX1):c.285del (p.Asn96ThrfsTer26) is a frameshift variant in a gene in which loss-of-function is an established mechanism (Frameshift (+1); c.98-c.779 as per VCEP specifications) (PVS1). This variant affects one of the amino acid residues between 89-204 within the RHD (PM1_supporting). This variant is completely absent from all population databases with at least 20x coverage for RUNX1 (PM2_Supporting). This frameshift variant is downstream of c.98 in transcript NM_001754.4 (PM5_Supporting). In summary, this variant meets the criteria to be classified as pathogenic. ACMG/AMP criteria applied, as specified by the Myeloid Malignancy Variant Curation Expert Panel for RUNX1: PVS1, PM1_supporting, PM2_supporting, PM5_supporting.

Labcorp Genetics (formerly Invitae), Labcorp
Classification: Pathogenic for Hereditary thrombocytopenia and hematological cancer predisposition syndrome associated with RUNX1. Last evaluated: 2022-08-04. Review status: criteria provided, single submitter. Criteria: Invitae Variant Classification Sherloc (09022015). Collection method: clinical testing. Allele origin: germline. Not counted in ClinVar's aggregate classification.
Comment: This sequence change creates a premature translational stop signal (p.Asn96Thrfs*26) in the RUNX1 gene. It is expected to result in an absent or disrupted protein product. Loss-of-function variants in RUNX1 are known to be pathogenic (PMID: 18723428, 24100448). This variant is not present in population databases (gnomAD no frequency). This variant has not been reported in the literature in individuals affected with RUNX1-related conditions. For these reasons, this variant has been classified as Pathogenic.

Literature cited by the submitters: PubMed 18723428 (cited by Labcorp Genetics (formerly Invitae), Labcorp); PubMed 24100448 (cited by Labcorp Genetics (formerly Invitae), Labcorp).

NM_001754.5(RUNX1):c.285del (p.Asn96fs)

Gene: RUNX1 (RUNX family transcription factor 1; minus strand). Cytogenetic location: 21q22.12.
Variant type: Deletion.
Coding change: c.285del on transcript NM_001754.5 (MANE Select); coding-DNA position 285, one base deleted (C; older notation c.285delC).
Protein change: p.Asn96fs; shifts the reading frame from asparagine 96.
Molecular consequence: frameshift variant.
Genome position (GRCh38, 1-based): chr21:34,886,909, G deleted on the plus strand (C on the coding strand, the reverse complement: RUNX1 is on the minus strand); the first of 4 consecutive G bases (chr21:34,886,909-34,886,912); deleting any one gives the same sequence. VCF-style (leftmost placement, unchanged base first): chr21-34886908-TG-T. GRCh37 (hg19) VCF-style: chr21-36259205-TG-T.
Other names: NM_001754.5(RUNX1):c.285del; p.Asn96fs; c.204del, p.Asn69fs (NM_001001890.3, NM_001122607.2); short protein forms N69fs, N96fs.
Identifiers: ClinVar variation 1897839 (VCV001897839.6), dbSNP rs2517483215, ClinGen allele CA2580098637.